The following is an entry in ClinVar:

ClinVar aggregate classification (germline): Benign/Likely benign. Review status: criteria provided, multiple submitters, no conflicts (2 of 4 stars). 5 submissions from 5 submitters: Benign (1); Likely benign (4). Last evaluated 2026-01-22.

Conditions:
Inborn genetic diseases. Identifiers: MedGen C0950123, MeSH D030342.

Allele frequency attached by ClinVar (database versions not stated): TOPMed 0.00034; gnomAD 0.00041 and 0.00042; gnomAD exomes 0.00044 and 0.00046; ESP Exome Variant Server 0.00046; ExAC 0.00057.
gnomAD v4.1: 696 of 1,613,534 alleles (0.043%); highest among the groups gnomAD compares: Non-Finnish European, 0.053%; 1 homozygote.

Submissions (5):

Labcorp Genetics (formerly Invitae), Labcorp
Classification: Benign. Last evaluated: 2026-01-22. Review status: criteria provided, single submitter. Criteria: Invitae Variant Classification Sherloc (09022015). Collection method: clinical testing. Allele origin: germline.

Mayo Clinic Laboratories, Mayo Clinic
Classification: Likely benign. Last evaluated: 2025-10-27. Review status: criteria provided, single submitter. Criteria: ACMG Guidelines, 2015. Collection method: clinical testing. Allele origin: germline. Observed: 3 variant alleles.
Comment: BS1_supporting, BP4, BP7

Blueprint Genetics
Classification: Likely benign. Last evaluated: 2024-11-13. Review status: criteria provided, single submitter. Criteria: ACMG Guidelines, 2015. Collection method: clinical testing. Allele origin: germline.

Ambry Genetics
Classification: Likely benign for Inborn genetic diseases. Last evaluated: 2024-08-21. Review status: criteria provided, single submitter. Criteria: Ambry Variant Classification Scheme 2023. Collection method: clinical testing. Allele origin: germline.

Genetic Services Laboratory, University of Chicago
Classification: Likely benign. Last evaluated: 2017-03-06. Review status: criteria provided, single submitter. Criteria: ACMG Guidelines, 2015. Collection method: clinical testing. Allele origin: germline. Affected: no.

NM_001987.5(ETV6):c.57T>C (p.Pro19=)

Gene: ETV6 (ETS variant transcription factor 6; plus strand). Cytogenetic location: 12p13.2.
Variant type: single nucleotide variant.
Coding change: c.57T>C on transcript NM_001987.5 (MANE Select); coding-DNA position 57, T replaced by C.
Protein change: p.Pro19=; no amino-acid change (proline 19 retained).
Molecular consequence: synonymous variant.
Genome position (GRCh38, 1-based): chr12:11,752,473, T>C. VCF-style: chr12-11752473-T-C. GRCh37 (hg19) VCF-style: chr12-11905407-T-C.
Other names: p.Pro19=.
Identifiers: ClinVar variation 435096 (VCV000435096.16), dbSNP rs147305258, ClinGen allele CA6454099.
Genomic context (GRCh38, chr12:11,752,473, plus strand): 5'-TCTCCCCCTCCCCTCTTCCTGCCCTTATTTTTAACAGCAGGAACGAATTTCATATACACC[T>C]CCAGAGAGCCCAGTGCCGAGTTACGCTTCCTCGACGCCACTTCATGTTCCAGTGCCTCGA-3'
Protein context (NP_001978.1, residues 9-29): SIKQERISYT[Pro19=]PESPVPSYAS